The following is an entry in ClinVar:

ClinVar aggregate classification (germline): Uncertain significance (1 of 4 stars; one submission).

Conditions:
Candidiasis, familial, 6 (CANDF6). Also called: Candidiasis, familial, 6, autosomal dominant. Identifiers: Orphanet 1334, MedGen C3151405, MONDO:0013503, OMIM 613956.

Submission:

Labcorp Genetics (formerly Invitae), Labcorp
Classification: Uncertain significance for Candidiasis, familial, 6. Last evaluated: 2022-07-06. Review status: criteria provided, single submitter. Criteria: Invitae Variant Classification Sherloc (09022015). Collection method: clinical testing. Allele origin: germline.
Comment: In summary, the available evidence is currently insufficient to determine the role of this variant in disease. Therefore, it has been classified as a Variant of Uncertain Significance. Algorithms developed to predict the effect of missense changes on protein structure and function (SIFT, PolyPhen-2, Align-GVGD) all suggest that this variant is likely to be disruptive. ClinVar contains an entry for this variant (Variation ID: 1026711). This variant has not been reported in the literature in individuals affected with IL17F-related conditions. This variant is not present in population databases (gnomAD no frequency). This sequence change replaces proline, which is neutral and non-polar, with alanine, which is neutral and non-polar, at codon 157 of the IL17F protein (p.Pro157Ala).

NM_052872.4(IL17F):c.469C>G (p.Pro157Ala)

Gene: IL17F (interleukin 17F; minus strand). Cytogenetic location: 6p12.2.
Variant type: single nucleotide variant.
Coding change: c.469C>G on transcript NM_052872.4 (MANE Select); coding-DNA position 469, C replaced by G.
Protein change: p.Pro157Ala; replaces proline 157 with alanine.
Molecular consequence: missense variant.
Genome position (GRCh38, 1-based): chr6:52,236,954, G>C on the plus strand (C>G on the coding strand, the complement: IL17F is on the minus strand). VCF-style: chr6-52236954-G-C. GRCh37 (hg19) VCF-style: chr6-52101752-G-C.
Other names: short protein forms P157A.
Identifiers: ClinVar variation 1026711 (VCV001026711.8), dbSNP rs144576902, ClinGen allele CA364444120.